The following is an entry in ClinVar:

ClinVar aggregate classification (germline): Uncertain significance (1 of 4 stars; one submission).

Submission:

Ambry Genetics
Classification: Uncertain significance. Last evaluated: 2022-06-05. Review status: criteria provided, single submitter. Criteria: Ambry Variant Classification Scheme 2023. Collection method: clinical testing. Allele origin: germline.
Comment: The p.T289I variant (also known as c.866C>T), located in coding exon 4 of the GALNT12 gene, results from a C to T substitution at nucleotide position 866. The threonine at codon 289 is replaced by isoleucine, an amino acid with similar properties. This amino acid position is conserved. In addition, this alteration is predicted to be tolerated by in silico analysis. Since supporting evidence is limited at this time, the clinical significance of this alteration remains unclear.

NM_024642.5(GALNT12):c.866C>T (p.Thr289Ile)

Gene: GALNT12 (polypeptide N-acetylgalactosaminyltransferase 12; plus strand). Cytogenetic location: 9q22.33.
Variant type: single nucleotide variant.
Coding change: c.866C>T on transcript NM_024642.5 (MANE Select); coding-DNA position 866, C replaced by T.
Protein change: p.Thr289Ile; replaces threonine 289 with isoleucine.
Molecular consequence: missense variant.
Genome position (GRCh38, 1-based): chr9:98,831,906, C>T. VCF-style: chr9-98831906-C-T. GRCh37 (hg19) VCF-style: chr9-101594188-C-T.
Other names: short protein forms T289I.
Identifiers: ClinVar variation 1764235 (VCV001764235.2), dbSNP rs1588450015, ClinGen allele CA374218238.